The following is an entry in ClinVar:

ClinVar aggregate classification (germline): Uncertain significance (1 of 4 stars; one submission).

Conditions:
Familial melanoma. Also called: Hereditary melanoma; Hereditary cutaneous melanoma. Identifiers: Orphanet 618, MedGen C1512419, MONDO:0018961.

Submission:

Labcorp Genetics (formerly Invitae), Labcorp
Classification: Uncertain significance for Familial melanoma. Last evaluated: 2023-09-09. Review status: criteria provided, single submitter. Criteria: Invitae Variant Classification Sherloc (09022015). Collection method: clinical testing. Allele origin: germline.
Comment: In summary, the available evidence is currently insufficient to determine the role of this variant in disease. Therefore, it has been classified as a Variant of Uncertain Significance. Variants that disrupt the consensus splice site are a relatively common cause of aberrant splicing (PMID: 17576681, 9536098). Algorithms developed to predict the effect of sequence changes on RNA splicing suggest that this variant is not likely to affect RNA splicing. This variant has not been reported in the literature in individuals affected with CDKN2A (p16INK4a)-related conditions. This variant is not present in population databases (gnomAD no frequency). This sequence change falls in intron 1 of the CDKN2A (p16INK4a) gene. It does not directly change the encoded amino acid sequence of the CDKN2A (p16INK4a) protein. It affects a nucleotide within the consensus splice site.

Literature cited by the submitters: PubMed 17576681; PubMed 9536098.

NM_000077.5(CDKN2A):c.150+3G>T

Gene: CDKN2A (cyclin dependent kinase inhibitor 2A; minus strand). Cytogenetic location: 9p21.3.
Variant type: single nucleotide variant.
Coding change: c.150+3G>T on transcript NM_000077.5 (MANE Select); 3 bases into the intron after coding-DNA position 150, G replaced by T.
Molecular consequence: intron variant. On other transcripts: synonymous variant (1).
Genome position (GRCh38, 1-based): chr9:21,974,675, C>A on the plus strand (G>T on the coding strand, the complement: CDKN2A is on the minus strand). VCF-style: chr9-21974675-C-A. GRCh37 (hg19) VCF-style: chr9-21974674-C-A.
Other names: c.153G>T, p.Val51= (NM_058197.5); c.-3-3467G>T (NM_001363763.2); c.194-3467G>T (NM_058195.4); c.150+3G>T (NM_001195132.2).
Identifiers: ClinVar variation 2759361 (VCV002759361.3), dbSNP rs1273202315, ClinGen allele CA2697557678.